The following is an entry in ClinVar:

NM_001458.5(FLNC):c.5367C>T (p.Ile1789=)

Genes: FLNC (filamin C; plus strand), FLNC-AS1 (FLNC antisense RNA 1; minus strand). Cytogenetic location: 7q32.1.
Variant type: single nucleotide variant.
Coding change: c.5367C>T on transcript NM_001458.5 (MANE Select); coding-DNA position 5367, C replaced by T.
Protein change: p.Ile1789=; no amino-acid change (isoleucine 1789 retained).
Molecular consequence: synonymous variant.
Genome position (GRCh38, 1-based): chr7:128,850,452, C>T. VCF-style: chr7-128850452-C-T. GRCh37 (hg19) VCF-style: chr7-128490506-C-T.
Other names: c.5268C>T, p.Ile1756= (NM_001127487.2).
Identifiers: ClinVar variation 539475 (VCV000539475.47), dbSNP rs377214486, ClinGen allele CA4475663.

ClinVar aggregate classification (germline): Benign/Likely benign. Review status: criteria provided, multiple submitters, no conflicts (2 of 4 stars). 11 submissions from 11 submitters: Benign (1); Likely benign (7). 3 of the submissions do not count toward it. Last evaluated 2026-05-01.

Conditions:
Cardiomyopathy (CMYO). Also called: Cardiomyopathies. Identifiers: Orphanet 167848, MedGen C0878544, MONDO:0004994, HP:0001638. Inheritance: Various modes of inheritance.
Cardiovascular phenotype. Identifiers: MedGen CN230736.
Myofibrillar myopathy 5. Also called: Filaminopathy (type); FILAMINOPATHY, AUTOSOMAL DOMINANT. Identifiers: Orphanet 171445, MedGen C1836050, MONDO:0012289, OMIM 609524.
Distal myopathy with posterior leg and anterior hand involvement. Also called: WILLIAMS DISTAL MYOPATHY. Identifiers: Orphanet 63273, MedGen C3279722, MONDO:0013550, OMIM 614065.
Hypertrophic cardiomyopathy 26. Also called: Cardiomyopathy, familial hypertrophic, 26. Identifiers: Orphanet 75249, MedGen C4310749, MONDO:0014883, OMIM 617047.

Allele frequency attached by ClinVar (database versions not stated): ExAC 0.00022; gnomAD 0.00024 and 0.00026; ESP Exome Variant Server 0.00032; TOPMed 0.00019; gnomAD exomes 0.00021.

Submissions (11):

CeGaT Center for Human Genetics Tuebingen
Classification: Likely benign. Last evaluated: 2026-05-01. Review status: criteria provided, single submitter. Criteria: CeGaT Center For Human Genetics Tuebingen Variant Classification Criteria Version 2. Collection method: clinical testing. Allele origin: germline. Affected: yes. Observed: 3 variant alleles.
Comment: FLNC: BP4, BP7

Labcorp Genetics (formerly Invitae), Labcorp
Classification: Likely benign for Distal myopathy with posterior leg and anterior hand involvement; Myofibrillar myopathy 5; Hypertrophic cardiomyopathy 26. Last evaluated: 2026-01-20. Review status: criteria provided, single submitter. Criteria: Invitae Variant Classification Sherloc (09022015). Collection method: clinical testing. Allele origin: germline.

Molecular Diagnostic Laboratory for Inherited Cardiovascular Disease, Montreal Heart Institute
Classification: Likely benign. Last evaluated: 2025-04-09. Review status: criteria provided, single submitter. Criteria: ACMG Guidelines, 2015. Collection method: clinical testing. Allele origin: germline. Affected: no.

Women's Health and Genetics/Laboratory Corporation of America, LabCorp
Classification: Benign. Last evaluated: 2025-01-04. Review status: criteria provided, single submitter. Criteria: LabCorp Variant Classification Summary - May 2015. Collection method: clinical testing. Allele origin: germline.

Blueprint Genetics
Classification: Likely benign. Last evaluated: 2024-11-14. Review status: criteria provided, single submitter. Criteria: ACMG Guidelines, 2015. Collection method: clinical testing. Allele origin: germline.

CHEO Genetics Diagnostic Laboratory, Children's Hospital of Eastern Ontario
Classification: Likely benign for Cardiomyopathy. Last evaluated: 2021-11-01. Review status: criteria provided, single submitter. Criteria: ACMG Guidelines, 2015. Collection method: clinical testing. Allele origin: germline.

GeneDx
Classification: Likely benign. Last evaluated: 2021-10-12. Review status: criteria provided, single submitter. Criteria: GeneDx Variant Classification Process June 2021. Collection method: clinical testing. Allele origin: germline. Affected: yes.

Ambry Genetics
Classification: Likely benign for Cardiovascular phenotype. Last evaluated: 2019-03-11. Review status: criteria provided, single submitter. Criteria: Ambry Variant Classification Scheme 2023. Collection method: clinical testing. Allele origin: germline.

Clinical Genetics DNA and cytogenetics Diagnostics Lab, Erasmus MC, Erasmus Medical Center
Classification: Likely benign. Review status: no assertion criteria provided. Collection method: clinical testing. Allele origin: germline. Affected: yes. Study: VKGL Data-share Consensus. Not counted in ClinVar's aggregate classification.

Clinical Genetics, Academic Medical Center
Classification: Benign. Review status: no assertion criteria provided. Collection method: clinical testing. Allele origin: germline. Affected: yes. Study: VKGL Data-share Consensus. Not counted in ClinVar's aggregate classification.

Genome Diagnostics Laboratory, University Medical Center Utrecht
Classification: Likely benign. Review status: no assertion criteria provided. Collection method: clinical testing. Allele origin: germline. Affected: yes. Study: VKGL Data-share Consensus. Not counted in ClinVar's aggregate classification.